The following is an entry in ClinVar:

ClinVar aggregate classification (germline): Pathogenic (1 of 4 stars; one submission).

Conditions:
Hereditary cancer-predisposing syndrome. Also called: Hereditary Cancer Syndrome; Hereditary neoplastic syndrome; Neoplastic Syndromes, Hereditary; Tumor predisposition. Identifiers: Orphanet 140162, MedGen C0027672, MeSH D009386, MONDO:0015356.

Submission:

Ambry Genetics
Classification: Pathogenic for Hereditary cancer-predisposing syndrome. Last evaluated: 2019-10-03. Review status: criteria provided, single submitter. Criteria: Ambry Variant Classification Scheme 2023. Collection method: clinical testing. Allele origin: germline.
Comment: The c.578_591del14 pathogenic mutation, located in coding exon 3 of the MSH6 gene, results from a deletion of 14 nucleotides at nucleotide positions 578 to 591, causing a translational frameshift with a predicted alternate stop codon (p.L193*). This alteration is expected to result in loss of function by premature protein truncation or nonsense-mediated mRNA decay. As such, this alteration is interpreted as a disease-causing mutation.

NM_000179.3(MSH6):c.578_591del (p.Glu192_Leu193insTer)

Gene: MSH6 (mutS homolog 6; plus strand). Cytogenetic location: 2p16.3.
Variant type: Deletion.
Coding change: c.578_591del on transcript NM_000179.3 (MANE Select); coding-DNA positions 578 to 591, 14 bases deleted (TGGCAGTTTGTGAT).
Protein change: p.Glu192_Leu193insTer.
Molecular consequence: nonsense. On other transcripts: 5 prime UTR variant (1), frameshift variant (30), intron variant (2).
Genome position (GRCh38, 1-based): chr2:47,796,014-47,796,027, TGGCAGTTTGTGAT deleted; deleting any 14 consecutive bases within chr2:47,796,012-47,796,027 gives the same sequence; the c. name uses the placement nearest the transcript's 3' end. VCF-style (leftmost placement, unchanged base first): chr2-47796011-AATTGGCAGTTTGTG-A. GRCh37 (hg19) VCF-style: chr2-48023150-AATTGGCAGTTTGTG-A.
Other names: c.-325_-312del (NM_001281494.2); c.674_687delTGGCAGTTTGTGAT, p.Leu225Terfs (NM_001406795.1, NM_001406802.1); c.578_591delTGGCAGTTTGTGAT, p.Leu193Terfs (NM_001406796.1, NM_001406798.1, NM_001406800.1 and 5 more transcripts); c.281_294delTGGCAGTTTGTGAT, p.Leu94Terfs (NM_001406797.1, NM_001406801.1, NM_001406805.1 and 10 more transcripts); c.53_66delTGGCAGTTTGTGAT, p.Leu18Terfs (NM_001406799.1, NM_001406806.1, NM_001406807.1); c.500_513delTGGCAGTTTGTGAT, p.Leu167Terfs (NM_001406804.1); c.584_597delTGGCAGTTTGTGAT, p.Leu195Terfs (NM_001406813.1); c.-417_-404delTGGCAGTTTGTGAT (NM_001406814.1); and 4 more.
Identifiers: ClinVar variation 1749610 (VCV001749610.2), dbSNP rs2530521916, ClinGen allele CA2580066812.